The following is an entry in ClinVar:

NM_001365999.1(SZT2):c.3596G>A (p.Ser1199Asn)

Gene: SZT2 (SZT2 subunit of KICSTOR complex; plus strand). Cytogenetic location: 1p34.2.
Variant type: single nucleotide variant.
Coding change: c.3596G>A on transcript NM_001365999.1 (MANE Select); coding-DNA position 3596, G replaced by A.
Protein change: p.Ser1199Asn; replaces serine 1199 with asparagine.
Molecular consequence: missense variant.
Genome position (GRCh38, 1-based): chr1:43,427,443, G>A. VCF-style: chr1-43427443-G-A. GRCh37 (hg19) VCF-style: chr1-43893114-G-A.
Other names: c.3425G>A, p.Ser1142Asn (NM_015284.4); short protein forms S1142N, S1199N.
Identifiers: ClinVar variation 1016888 (VCV001016888.8), dbSNP rs1653297430, ClinGen allele CA340018429.

ClinVar aggregate classification (germline): Uncertain significance (1 of 4 stars; one submission).

Allele frequency attached by ClinVar (database versions not stated): TOPMed below 0.00001.

Submission:

Labcorp Genetics (formerly Invitae), Labcorp
Classification: Uncertain significance. Last evaluated: 2022-09-01. Review status: criteria provided, single submitter. Criteria: Invitae Variant Classification Sherloc (09022015). Collection method: clinical testing. Allele origin: germline.
Comment: This variant is not present in population databases (gnomAD no frequency). In summary, the available evidence is currently insufficient to determine the role of this variant in disease. Therefore, it has been classified as a Variant of Uncertain Significance. Algorithms developed to predict the effect of missense changes on protein structure and function output the following: SIFT: "Tolerated"; PolyPhen-2: "Benign"; Align-GVGD: "Class C0". The asparagine amino acid residue is found in multiple mammalian species, which suggests that this missense change does not adversely affect protein function. ClinVar contains an entry for this variant (Variation ID: 1016888). This variant has not been reported in the literature in individuals affected with SZT2-related conditions. This sequence change replaces serine, which is neutral and polar, with asparagine, which is neutral and polar, at codon 1142 of the SZT2 protein (p.Ser1142Asn).